The following is an entry in ClinVar:

ClinVar aggregate classification (germline): Uncertain significance (1 of 4 stars; one submission).

Conditions:
Hereditary cancer-predisposing syndrome. Also called: Neoplastic Syndromes, Hereditary; Tumor predisposition; Hereditary neoplastic syndrome; Hereditary Cancer Syndrome. Identifiers: Orphanet 140162, MedGen C0027672, MeSH D009386, MONDO:0015356.

Submission:

Ambry Genetics
Classification: Uncertain significance for Hereditary cancer-predisposing syndrome. Last evaluated: 2026-07-13. Review status: criteria provided, single submitter. Criteria: Ambry Variant Classification Scheme 2023. Collection method: clinical testing. Allele origin: germline.
Comment: The p.L871I variant (also known as c.2611C>A), located in coding exon 18 of the PDGFRA gene, results from a C to A substitution at nucleotide position 2611. The leucine at codon 871 is replaced by isoleucine, an amino acid with highly similar properties. This amino acid position is conserved. In addition, the in silico prediction for this alteration is inconclusive. Based on the available evidence, the clinical significance of this variant remains unclear.

NM_006206.6(PDGFRA):c.2611C>A (p.Leu871Ile)

Gene: PDGFRA (platelet derived growth factor receptor alpha; plus strand). Cytogenetic location: 4q12.
Variant type: single nucleotide variant.
Coding change: c.2611C>A on transcript NM_006206.6 (MANE Select); coding-DNA position 2611, C replaced by A.
Protein change: p.Leu871Ile; replaces leucine 871 with isoleucine.
Molecular consequence: missense variant.
Genome position (GRCh38, 1-based): chr4:54,287,478, C>A. VCF-style: chr4-54287478-C-A. GRCh37 (hg19) VCF-style: chr4-55153645-C-A.
Other names: c.2686C>A, p.Leu896Ile (NM_001347828.2); c.2611C>A, p.Leu871Ile (NM_001347829.2); c.2650C>A, p.Leu884Ile (NM_001347830.2); short protein forms L884I, L896I, L871I.
Identifiers: ClinVar variation 5026441 (VCV005026441.1).